The following is an entry in ClinVar:

ClinVar aggregate classification (germline): Uncertain significance (1 of 4 stars; one submission).

Conditions:
PLEC-related disorder. Also called: PLEC-related condition; PLEC-related disorders.

gnomAD v4.1: 3 of 1,541,930 alleles (0.00019%); highest among the groups gnomAD compares: Non-Finnish European, 0.00026%; no homozygotes.

Submission:

PreventionGenetics, part of Exact Sciences
Classification: Uncertain significance for PLEC-related condition. Last evaluated: 2026-03-10. Review status: criteria provided, single submitter. Criteria: ACMG Guidelines, 2015. Collection method: clinical testing. Allele origin: germline.
Comment: The PLEC c.13703G>A variant is predicted to result in the amino acid substitution p.Gly4568Asp. To our knowledge, this variant has not been reported in the literature or in a large population database (gnomAD), indicating this variant is rare. At this time, the clinical significance of this variant is uncertain due to the absence of conclusive functional and genetic evidence.

NM_201384.3(PLEC):c.13622G>A (p.Gly4541Asp)

Gene: PLEC (plectin; minus strand). Cytogenetic location: 8q24.3.
Variant type: single nucleotide variant.
Coding change: c.13622G>A on transcript NM_201384.3 (MANE Select); coding-DNA position 13622, G replaced by A.
Protein change: p.Gly4541Asp; replaces glycine 4541 with aspartic acid.
Molecular consequence: missense variant.
Genome position (GRCh38, 1-based): chr8:143,916,199, C>T on the plus strand (G>A on the coding strand, the complement: PLEC is on the minus strand). VCF-style: chr8-143916199-C-T. GRCh37 (hg19) VCF-style: chr8-144990367-C-T.
Other names: c.13703G>A, p.Gly4568Asp (NM_000445.5); c.10322G>A, p.Gly3441Asp (NM_001410941.1); c.13580G>A, p.Gly4527Asp (NM_201378.4); c.13556G>A, p.Gly4519Asp (NM_201379.3); c.14033G>A, p.Gly4678Asp (NM_201380.4); c.13526G>A, p.Gly4509Asp (NM_201381.3); c.13622G>A, p.Gly4541Asp (NM_201382.4); c.13634G>A, p.Gly4545Asp (NM_201383.3); short protein forms G4541D, G4568D, G4519D, G4545D, G4678D, G4527D, G3441D, G4509D.
Identifiers: ClinVar variation 4985989 (VCV004985989.1).